The following is an entry in ClinVar:

NM_001379500.1(COL18A1):c.1683A>G (p.Ala561=)

Gene: COL18A1 (collagen type XVIII alpha 1 chain; plus strand). Cytogenetic location: 21q22.3.
Variant type: single nucleotide variant.
Coding change: c.1683A>G on transcript NM_001379500.1 (MANE Select); coding-DNA position 1683, A replaced by G.
Protein change: p.Ala561=; no amino-acid change (alanine 561 retained).
Molecular consequence: synonymous variant.
Genome position (GRCh38, 1-based): chr21:45,482,803, A>G. VCF-style: chr21-45482803-A-G. GRCh37 (hg19) VCF-style: chr21-46902717-A-G.
Other names: NM_130445.2:c.1683A>G; c.2223A>G, p.Ala741= (NM_030582.4); c.2928A>G, p.Ala976= (NM_130444.3); c.2223A>G (NM_030582.3).
Identifiers: ClinVar variation 896562 (VCV000896562.22), dbSNP rs75222922, ClinGen allele CA10066508.

ClinVar aggregate classification (germline): Benign/Likely benign. Review status: criteria provided, multiple submitters, no conflicts (2 of 4 stars). 5 submissions from 5 submitters: Benign (2); Likely benign (2). 1 of the submissions does not count toward it. Last evaluated 2026-02-02.

Conditions:
Knobloch syndrome (KNO). Also called: RETINAL DETACHMENT AND OCCIPITAL ENCEPHALOCELE; Myopia retinal detachment encephalocele. Identifiers: Orphanet 1571, MedGen C1849409, MONDO:0800166.
COL18A1-related disorder. Also called: COL18A1-related condition; COL18A1-related disorders.

Allele frequency attached by ClinVar (database versions not stated): gnomAD 0.00016 and 0.00033; TOPMed 0.00037; gnomAD exomes 0.00044 and 0.00060; ExAC 0.00068; 1000 Genomes Project 30x 0.00172; 1000 Genomes Project 0.00200.
gnomAD v4.1: 694 of 1,614,138 alleles (0.043%); highest among the groups gnomAD compares: East Asian, 1.1%; 7 homozygotes.

Submissions (5):

Labcorp Genetics (formerly Invitae), Labcorp
Classification: Benign. Last evaluated: 2026-02-02. Review status: criteria provided, single submitter. Criteria: Invitae Variant Classification Sherloc (09022015). Collection method: clinical testing. Allele origin: germline.

CeGaT Center for Human Genetics Tuebingen
Classification: Likely benign. Last evaluated: 2025-04-01. Review status: criteria provided, single submitter. Criteria: CeGaT Center For Human Genetics Tuebingen Variant Classification Criteria Version 2. Collection method: clinical testing. Allele origin: germline. Affected: yes. Observed: 1 variant allele.
Comment: COL18A1: BP4, BP7, BS1

Blueprint Genetics
Classification: Likely benign. Last evaluated: 2024-11-26. Review status: criteria provided, single submitter. Criteria: ACMG Guidelines, 2015. Collection method: clinical testing. Allele origin: germline.

Illumina Laboratory Services, Illumina
Classification: Benign for Knobloch syndrome 1. Last evaluated: 2017-04-27. Review status: criteria provided, single submitter. Criteria: ICSL Variant Classification Criteria 13 December 2019. Collection method: clinical testing. Allele origin: germline.
Comment: This variant was observed as part of a predisposition screen in an ostensibly healthy population. A literature search was performed for the gene, cDNA change, and amino acid change (where applicable). No publications were found based on this search. Allele frequency data from public databases was too high to be consistent with this variant causing disease. Therefore, this variant is classified as benign.

PreventionGenetics, part of Exact Sciences
Classification: Likely benign for COL18A1-related condition. Last evaluated: 2020-01-02. Review status: no assertion criteria provided. Collection method: clinical testing. Allele origin: germline. Not counted in ClinVar's aggregate classification.
Comment: This variant is classified as likely benign based on ACMG/AMP sequence variant interpretation guidelines (Richards et al. 2015 PMID: 25741868, with internal and published modifications).